The following is an entry in ClinVar:

ClinVar aggregate classification (germline): Pathogenic/Likely pathogenic. Review status: criteria provided, multiple submitters, no conflicts (2 of 4 stars). 11 submissions from 11 submitters: Pathogenic (9); Likely pathogenic (1). 1 of the submissions does not count toward it. Last evaluated 2026-01-16.

Conditions:
FLNC-related disorder. Also called: FLNC-related condition; FLNC-related disorders.
Hypertrophic cardiomyopathy 26. Also called: Cardiomyopathy, familial hypertrophic, 26. Identifiers: Orphanet 75249, MedGen C4310749, MONDO:0014883, OMIM 617047.
Primary dilated cardiomyopathy (DCM). Also called: Dilated Cardiomyopathy. Identifiers: Orphanet 217604, MedGen C0007193, MeSH D002311, MONDO:0005021, HP:0001644. Inheritance: Various modes of inheritance.
Distal myopathy with posterior leg and anterior hand involvement. Also called: WILLIAMS DISTAL MYOPATHY. Identifiers: Orphanet 63273, MedGen C3279722, MONDO:0013550, OMIM 614065.
Myofibrillar myopathy 5. Also called: Filaminopathy (type); FILAMINOPATHY, AUTOSOMAL DOMINANT. Identifiers: Orphanet 171445, MedGen C1836050, MONDO:0012289, OMIM 609524.
Cardiovascular phenotype. Identifiers: MedGen CN230736.

Allele frequency attached by ClinVar (database versions not stated): gnomAD exomes below 0.00001 and 0.00001; ExAC 0.00001; gnomAD 0.00001; TOPMed 0.00002.
gnomAD v4.1: 8 of 1,613,534 alleles (0.0005%); highest among the groups gnomAD compares: Non-Finnish European, 0.000085%; no homozygotes.

Submissions 1 to 8 of 11:

Labcorp Genetics (formerly Invitae), Labcorp
Classification: Pathogenic for Distal myopathy with posterior leg and anterior hand involvement; Myofibrillar myopathy 5; Hypertrophic cardiomyopathy 26. Last evaluated: 2026-01-16. Review status: criteria provided, single submitter. Criteria: Invitae Variant Classification Sherloc (09022015). Collection method: clinical testing. Allele origin: germline.
Comment: This sequence change affects an acceptor splice site in intron 21 of the FLNC gene. It is expected to disrupt RNA splicing. Variants that disrupt the donor or acceptor splice site typically lead to a loss of protein function (PMID: 16199547), and loss-of-function variants in FLNC are known to be pathogenic (PMID: 27908349). This variant is present in population databases (rs781135153, gnomAD 0.02%). Disruption of this splice site has been observed in individuals with dilated cardiomyopathy (PMID: 25633252, 27908349). It has also been observed to segregate with disease in related individuals. ClinVar contains an entry for this variant (Variation ID: 420146). Algorithms developed to predict the effect of sequence changes on RNA splicing suggest that this variant may disrupt the consensus splice site. For these reasons, this variant has been classified as Pathogenic.

Victorian Clinical Genetics Services, Murdoch Childrens Research Institute
Classification: Pathogenic for Primary dilated cardiomyopathy. Last evaluated: 2025-05-23. Review status: criteria provided, single submitter. Criteria: ACMG Guidelines, 2015. Collection method: clinical testing. Allele origin: germline. Affected: yes.
Comment: This variant is classified as Pathogenic. Evidence in support of pathogenic classification: Canonical splice site variant without proven consequence on splicing (no functional evidence available); Variant is present in gnomAD (v4) <0.001 for a dominant condition (8 heterozygotes, 0 homozygote), with an Ashkenazi Jewish population bias (0.02%); This variant has strong previous evidence of pathogenicity in unrelated individuals. This variant has been reported in multiple individuals with DCM (ClinVar, PMIDs: 25633252, 25179549, 27908349, 32532510, VCGS Internal Database); This variant has moderate evidence for segregation with disease (PMID: 32532510); Other canonical splice site variants comparable to the one identified in this case have limited previous evidence of pathogenicity. c.3791-1G>A has been reported in two individuals with DCM (PMIDs: 27908349, 30067491) and c.3791-2A>T has been reported as a variant of uncertain significance by a clinical laboratory (ClinVar); Abnormal splicing is predicted by in silico tools and affected nucleotide is highly conserved. Additional information: This variant is heterozygous; This gene is associated with autosomal dominant disease. Variants located throughout the gene that are predicted to result in nonsense-mediated decay (NMD) are enriched in dilated cardiomyopathy, whereas missense variants in the ROD2 domain are enriched in familial hypertrophic cardiomyopathy 26 and familial restrictive cardiomyopathy 5 (MIM#617047). Additionally, myofibrillar myopathy 5 (MIM#609524) is known to result from either missense variants in the ROD2 domain or truncating variants in the Ig-like domain 24, while missense variants in the actin-binding domain and NMD-predicted variants located in the Ig-like domain 15 and have been reported for distal myopathy 4 (MIM#614065) (PMID: 32112656); No published functional evidence has been identified for this variant. RP-PCR showed a reduction in FLNC transcript but didn't show any aberrant splicing (PMID: 32532510); Loss of function and gain of function are known mechanisms of disease in this gene. Loss of function is the established mechanism of disease for variants in dilated cardiomyopathy (PMID: 32112656), familial hypertrophic cardiomyopathy 26 (MIM#617047), familial restrictive cardiomyopathy 5 (MIM#617047), familial arrhythmogenic right ventricular dysplasia (MIM#617047), and myofibrillar myopathy 5 (MIM#609524). In distal myopathy 4 (MIM#614065), NMD-predicted variants cause a loss of function, however missense variants have been shown to result in a toxic gain of function (PMID: 32112656); Variants in this gene are known to have variable expressivity in relation to arrhythmogenic right ventricular cardiomyopathy (PMID: 31627847); Inheritance information for this variant is not currently available in this individual.

Mayo Clinic Laboratories, Mayo Clinic
Classification: Pathogenic. Last evaluated: 2025-04-11. Review status: criteria provided, single submitter. Criteria: ACMG Guidelines, 2015. Collection method: clinical testing. Allele origin: germline. Observed: 1 variant allele.
Comment: PP1_strong, PM2_supporting, PVS1

Ambry Genetics
Classification: Pathogenic for Cardiovascular phenotype. Last evaluated: 2025-02-11. Review status: criteria provided, single submitter. Criteria: Ambry Variant Classification Scheme 2023. Collection method: clinical testing. Allele origin: germline.
Comment: The c.3791-1G>C intronic pathogenic mutation results from a G to C substitution one nucleotide before coding exon 22 of the FLNC gene. Alterations that disrupt the canonical splice site are expected to cause aberrant splicing. In silico splice site analysis predicts that this alteration will weaken the native splice acceptor site and may result in the creation or strengthening of a novel splice acceptor site. A resulting transcript is predicted to be in-frame and is not expected to trigger nonsense-mediated mRNA decay; however, one study found this alteration resulted in reduced levels of the full length RNA transcript without evidence of any shorter transcript, suggestive of the occurrence of nonsense-mediated mRNA decay (Oz S et al. Int J Cardiol, 2020 Oct;317:133-138). This variant was identified in one or more individuals with features consistent with FLNC-related dilated cardiomyopathy, segregated with disease in at least one family, and has been proposed as an Ashkenazi Jewish founder mutation (Deo RC et al. Genome Biol., 2014 Dec;15:534; Golbus JR et al. Circ Cardiovasc Genet, 2014 Dec;7:751-759; Ortiz-Genga MF et al. J. Am. Coll. Cardiol., 2016 Dec;68:2440-2451; Oz S et al. Int J Cardiol, 2020 Oct;317:133-138; Ambry Internal Data). This nucleotide position is highly conserved in available vertebrate species. Based on the supporting evidence, this variant is interpreted as a disease-causing mutation for FLNC-related dilated cardiomyopathy; however, its clinical significance for FLNC-related hypertrophic/restrictive cardiomyopathy and/or skeletal myopathy is uncertain.

Institute of Human Genetics, University of Leipzig Medical Center
Classification: Likely pathogenic for Hypertrophic cardiomyopathy 26. Last evaluated: 2024-07-09. Review status: criteria provided, single submitter. Criteria: ACMG Guidelines, 2015. Collection method: clinical testing. Allele origin: unknown. Affected: yes.
Comment: Criteria applied: PVS1_STR,PS4_MOD

Revvity Omics, Revvity
Classification: Pathogenic. Last evaluated: 2024-05-01. Review status: criteria provided, single submitter. Criteria: ACMG Guidelines, 2015. Collection method: clinical testing. Allele origin: germline.

Clinical Genetics Laboratory, Skane University Hospital Lund
Classification: Pathogenic. Last evaluated: 2024-03-20. Review status: criteria provided, single submitter. Criteria: ACMG Guidelines, 2015. Collection method: clinical testing. Allele origin: germline. Affected: yes.

New York Genome Center
Classification: Pathogenic for Hypertrophic cardiomyopathy 26. Last evaluated: 2024-02-02. Review status: criteria provided, single submitter. Criteria: NYGC Assertion Criteria 2020. Collection method: clinical testing. Allele origin: inherited, germline. Affected: yes. Observed: 2 variant alleles, 2 heterozygotes. Clinical features observed: Mild fetal ventriculomegaly (HP:0010952), Cardiomyopathy (HP:0001638).
Comment: The c.3791-1G>C variant in FLNC has previously been reported in multiple individuals with adult onset dilated cardiomyopathy [PMID: 25633252, 25179549, 27908349, 36129056, 3253251], and it has been deposited in ClinVar [ClinVar ID: 420146] as Likely Pathogenic/Pathogenic by multiple submitters. The c.3791-1G>C variant is observed in 8 alleles (~0.00049% minor allele frequency with 0 homozygote) in population databases (gnomAD v4.0.0), suggesting it is not a common benign variant in the populations represented in that dataset. The c.3791-1G>C variant in FLNC is located in the canonical splice acceptor site preceding exon 22 of this 48-exon gene and is presumed to affect mRNA splicing which might result in exon skipping or full/partial intron retention (Splice AI = 0.98). Functional studies demonstrated a significant reduction in total FLNC transcript compared to controls leading to complete absence of mRNA suggestive of NMD mechanism in patient’s skin fibroblasts cells carrying c.3791-1G>C variant [PMID: 32532510]. Another canonical splice acceptor site (c.3791-1G>A) variant affecting the same nucleotide has also been reported in individuals with dilated cardiomyopathy [PMID: 30067491, 31514951]. Based on available evidence, this heterozygous c.3791-1G>C variant identified in FLNC is classified as Pathogenic.

NM_001458.5(FLNC):c.3791-1G>C

Gene: FLNC (filamin C; plus strand). Cytogenetic location: 7q32.1.
Variant type: single nucleotide variant.
Coding change: c.3791-1G>C on transcript NM_001458.5 (MANE Select); the canonical splice acceptor site of the intron before coding-DNA position 3791, G replaced by C.
Molecular consequence: splice acceptor variant.
Genome position (GRCh38, 1-based): chr7:128,845,989, G>C. VCF-style: chr7-128845989-G-C. GRCh37 (hg19) VCF-style: chr7-128486043-G-C.
Other names: c.3791-1G>C (NM_001127487.2).
Identifiers: ClinVar variation 420146 (VCV000420146.34), dbSNP rs781135153, ClinGen allele CA4475142.
Genomic context (GRCh38, chr7:128,845,989, plus strand): 5'-AGGGAGCATCTGTGTGAAGGCTGCCCCCACCCCTGCTGAACACGCCACCCCTGGGCTCCA[G>C]GTGTCCTGCGGGAGGTGACCACTGAGTTCACTGTGGATGCAAGATCCCTAACAGCCACAG-3'